The following is an entry in ClinVar:

NM_002907.4(RECQL):c.1102G>T (p.Val368Leu)

Gene: RECQL (RecQ like helicase; minus strand). Cytogenetic location: 12p12.1.
Variant type: single nucleotide variant.
Coding change: c.1102G>T on transcript NM_002907.4 (MANE Select); coding-DNA position 1102, G replaced by T.
Protein change: p.Val368Leu; replaces valine 368 with leucine.
Molecular consequence: missense variant.
Genome position (GRCh38, 1-based): chr12:21,475,582, C>A on the plus strand (G>T on the coding strand, the complement: RECQL is on the minus strand). VCF-style: chr12-21475582-C-A. GRCh37 (hg19) VCF-style: chr12-21628516-C-A.
Other names: c.1102G>T, p.Val368Leu (NM_032941.3); short protein forms V368L.
Identifiers: ClinVar variation 1450193 (VCV001450193.6), dbSNP rs2137338676, ClinGen allele CA384120932.

ClinVar aggregate classification (germline): Uncertain significance (1 of 4 stars; one submission).

Submission:

Labcorp Genetics (formerly Invitae), Labcorp
Classification: Uncertain significance. Last evaluated: 2021-10-29. Review status: criteria provided, single submitter. Criteria: Invitae Variant Classification Sherloc (09022015). Collection method: clinical testing. Allele origin: germline.
Comment: In summary, the available evidence is currently insufficient to determine the role of this variant in disease. Therefore, it has been classified as a Variant of Uncertain Significance. Algorithms developed to predict the effect of missense changes on protein structure and function are either unavailable or do not agree on the potential impact of this missense change (SIFT: "Deleterious"; PolyPhen-2: "Benign"; Align-GVGD: "Class C0"). This variant has not been reported in the literature in individuals affected with RECQL-related conditions. This variant is not present in population databases (gnomAD no frequency). This sequence change replaces valine, which is neutral and non-polar, with leucine, which is neutral and non-polar, at codon 368 of the RECQL protein (p.Val368Leu).